The following is an entry in ClinVar:

ClinVar aggregate classification (germline): Uncertain significance (1 of 4 stars; one submission).

Conditions:
Hereditary cancer-predisposing syndrome. Also called: Hereditary Cancer Syndrome; Neoplastic Syndromes, Hereditary; Tumor predisposition; Hereditary neoplastic syndrome. Identifiers: Orphanet 140162, MedGen C0027672, MeSH D009386, MONDO:0015356.

Submission:

Ambry Genetics
Classification: Uncertain significance for Hereditary cancer-predisposing syndrome. Last evaluated: 2026-09-14. Review status: criteria provided, single submitter. Criteria: Ambry Variant Classification Scheme 2023. Collection method: clinical testing. Allele origin: germline.
Comment: The p.E303G variant (also known as c.908A>G), located in coding exon 7 of the CDK4 gene, results from an A to G substitution at nucleotide position 908. The glutamic acid at codon 303 is replaced by glycine, an amino acid with similar properties. This amino acid position is well conserved in available vertebrate species. In addition, this alteration is predicted to be tolerated by in silico analysis. Based on the available evidence, the clinical significance of this variant remains unclear.

NM_000075.4(CDK4):c.908A>G (p.Glu303Gly)

Genes: TSPAN31 (tetraspanin 31; plus strand), CDK4 (cyclin dependent kinase 4; minus strand). Cytogenetic location: 12q14.1.
Variant type: single nucleotide variant.
Coding change: c.908A>G on transcript NM_000075.4 (MANE Select); coding-DNA position 908, A replaced by G.
Protein change: p.Glu303Gly; replaces glutamic acid 303 with glycine.
Molecular consequence: missense variant. On other transcripts: 3 prime UTR variant (3).
Genome position (GRCh38, 1-based): chr12:57,748,529, T>C on the plus strand (A>G on the coding strand, the complement: CDK4 is on the minus strand). VCF-style: chr12-57748529-T-C. GRCh37 (hg19) VCF-style: chr12-58142312-T-C.
Other names: c.*1239T>C (NM_001330168.2, NM_001330169.2, NM_005981.5); short protein forms E303G.
Identifiers: ClinVar variation 5034214 (VCV005034214.1).
Genomic context (GRCh38, chr12:57,748,529, plus strand): 5'-AGTGTCCAGAAGGGAAATGGCAGCTTTTCTTCCTTCCATGGCAGCCACTCCATTGCTCAC[T>C]CCGGATTACCTTCATCCTTATGTAGATAAGAGTGCTGCAGAGCTCGAAAGGCAGAGATTC-3'
Protein context (NP_000066.1, residues 293-303): SYLHKDEGNP[Glu303Gly]